The following is an entry in ClinVar:

ClinVar aggregate classification (germline): Uncertain significance (1 of 4 stars; one submission).

Submission:

GeneDx
Classification: Uncertain significance. Last evaluated: 2023-06-30. Review status: criteria provided, single submitter. Criteria: GeneDx Variant Classification Process June 2021. Collection method: clinical testing. Allele origin: germline. Affected: yes.
Comment: Has not been previously published as pathogenic or benign to our knowledge; Not observed at significant frequency in large population cohorts (gnomAD); In silico analysis supports that this missense variant does not alter protein structure/function

NM_001148.6(ANK2):c.7101T>A (p.Ser2367Arg)

Genes: ANK2 (ankyrin 2; plus strand), LOC126807137 (CDK7 strongly-dependent group 2 enhancer GRCh37_chr4:114276560-114277759; plus strand). Cytogenetic location: 4q26.
Variant type: single nucleotide variant.
Coding change: c.7101T>A on transcript NM_001148.6 (MANE Select); coding-DNA position 7101, T replaced by A.
Protein change: p.Ser2367Arg; replaces serine 2367 with arginine.
Molecular consequence: missense variant. On other transcripts: intron variant (68).
Genome position (GRCh38, 1-based): chr4:113,355,719, T>A. VCF-style: chr4-113355719-T-A. GRCh37 (hg19) VCF-style: chr4-114276875-T-A.
Other names: c.6867T>A, p.Ser2289Arg (NM_001386142.1); c.3501T>A, p.Ser1167Arg (NM_001386166.1); c.7242T>A, p.Ser2414Arg (NM_001386174.1); c.7218T>A, p.Ser2406Arg (NM_001386175.1); c.4412-5104T>A (NM_001386186.2, NM_001386148.2); c.4214-5104T>A (NM_001354269.3); c.4292-5104T>A (NM_001386187.2); c.4253-5104T>A (NM_001386147.1); and 35 more; short protein forms S1167R, S2289R, S2367R, S2406R, S2414R.
Identifiers: ClinVar variation 3360634 (VCV003360634.1).